The following is an entry in ClinVar:

NM_000545.8(HNF1A):c.1274C>T (p.Thr425Met)

Gene: HNF1A (HNF1 homeobox A; plus strand). Cytogenetic location: 12q24.31.
Variant type: single nucleotide variant.
Coding change: c.1274C>T on transcript NM_000545.8 (MANE Select); coding-DNA position 1274, C replaced by T.
Protein change: p.Thr425Met; replaces threonine 425 with methionine.
Molecular consequence: missense variant.
Genome position (GRCh38, 1-based): chr12:120,996,707, C>T. VCF-style: chr12-120996707-C-T. GRCh37 (hg19) VCF-style: chr12-121434510-C-T.
Other names: c.1274C>T, p.Thr425Met (NM_001306179.2); short protein forms T425M.
Identifiers: ClinVar variation 979117 (VCV000979117.6), dbSNP rs1401743626, ClinGen allele CA386969712.

ClinVar aggregate classification (germline): Uncertain significance/Uncertain risk allele. Review status: criteria provided, multiple submitters, no conflicts (2 of 4 stars). 4 submissions from 4 submitters: Uncertain significance (3); Uncertain risk allele (1). Last evaluated 2023-11-27.

Conditions:
Maturity-onset diabetes of the young type 3. Also called: MODY type 3; MODY, type III. Identifiers: Orphanet 552, MedGen C1838100, MeSH C563933, MONDO:0010894, OMIM 600496. Disease mechanism: loss of function.
Type 1 diabetes mellitus 20 (T1D20). Also called: Diabetes mellitus, insulin-dependent, 20. Identifiers: MedGen C2675866, MONDO:0012919, OMIM 612520.
Maturity-onset diabetes of the young (MODY). Also called: Maturity onset diabetes mellitus in young. Identifiers: Orphanet 552, MedGen C0342276, MONDO:0018911, HP:0004904.

Allele frequency attached by ClinVar (database versions not stated): TOPMed 0.00001; gnomAD 0.00002 and 0.00001; gnomAD exomes below 0.00001.
gnomAD v4.1: 10 of 1,613,964 alleles (0.00062%); highest among the groups gnomAD compares: Non-Finnish European, 0.00085%; no homozygotes.

Submissions (4):

Labcorp Genetics (formerly Invitae), Labcorp
Classification: Uncertain significance. Last evaluated: 2023-11-27. Review status: criteria provided, single submitter. Criteria: Invitae Variant Classification Sherloc (09022015). Collection method: clinical testing. Allele origin: germline.
Comment: This sequence change replaces threonine, which is neutral and polar, with methionine, which is neutral and non-polar, at codon 425 of the HNF1A protein (p.Thr425Met). This variant is present in population databases (no rsID available, gnomAD 0.0009%). This variant has not been reported in the literature in individuals affected with HNF1A-related conditions. ClinVar contains an entry for this variant (Variation ID: 979117). Advanced modeling of protein sequence and biophysical properties (such as structural, functional, and spatial information, amino acid conservation, physicochemical variation, residue mobility, and thermodynamic stability) performed at Invitae indicates that this missense variant is expected to disrupt HNF1A protein function with a positive predictive value of 95%. In summary, the available evidence is currently insufficient to determine the role of this variant in disease. Therefore, it has been classified as a Variant of Uncertain Significance.

Baylor Genetics
Classification: Uncertain significance for Type 1 diabetes mellitus 20. Last evaluated: 2019-02-21. Review status: criteria provided, single submitter. Criteria: ACMG Guidelines, 2015. Collection method: clinical testing. Allele origin: maternal. Affected: yes. Study: CSER-TexasKidsCanSeq.
Comment: This variant was determined to be of uncertain significance according to ACMG Guidelines, 2015 [PMID:25741868].

Clinical Genomics, Uppaluri K&H Personalized Medicine Clinic
Classification: Uncertain risk allele for Maturity-onset diabetes of the young. Review status: criteria provided, single submitter. Criteria: K & H Uppaluri Personalized Medicine Clinic Variant Classification & Assertion Criteria_Updated V.1. Collection method: research. Allele origin: unknown. Inheritance: Autosomal dominant inheritance.
Comment: Mutations in HNF1A gene can predispose to MODY3. It is associated with both micro and macrovascular complications of diabetes, especially cardiovascular complications. Associated with glucosuria. May respond well to sulfonylureas. However, more evidence is required to confer the association of this particular variant rs1401743626 with MODY3.

Human Genome Sequencing Center Clinical Lab, Baylor College of Medicine
Classification: Uncertain significance for Maturity onset diabetes of the young, type 3. Review status: criteria provided, single submitter. Criteria: ACMG Guidelines, 2015. Collection method: clinical testing. Allele origin: germline.

Literature cited by the submitters: PubMed 31517624 (cited by Clinical Genomics, Uppaluri K&H Personalized Medicine Clinic); PubMed 32395877 (cited by Clinical Genomics, Uppaluri K&H Personalized Medicine Clinic); PubMed 35328643 (cited by Clinical Genomics, Uppaluri K&H Personalized Medicine Clinic); PubMed 35673428 (cited by Clinical Genomics, Uppaluri K&H Personalized Medicine Clinic).